The following is an entry in ClinVar:

NM_173660.5(DOK7):c.1000A>G (p.Ser334Gly)

Gene: DOK7 (docking protein 7; plus strand). Cytogenetic location: 4p16.3.
Variant type: single nucleotide variant.
Coding change: c.1000A>G on transcript NM_173660.5 (MANE Select); coding-DNA position 1000, A replaced by G.
Protein change: p.Ser334Gly; replaces serine 334 with glycine.
Molecular consequence: missense variant. On other transcripts: 3 prime UTR variant (1).
Genome position (GRCh38, 1-based): chr4:3,492,986, A>G. VCF-style: chr4-3492986-A-G. GRCh37 (hg19) VCF-style: chr4-3494713-A-G.
Other names: c.*221A>G (NM_001164673.2); c.70A>G, p.Ser24Gly (NM_001256896.2); c.1000A>G, p.Ser334Gly (NM_001301071.2); c.568A>G, p.Ser190Gly (NM_001363811.2); short protein forms S190G, S24G, S334G.
Identifiers: ClinVar variation 651680 (VCV000651680.12), dbSNP rs769643041, ClinGen allele CA2829323.

ClinVar aggregate classification (germline): Uncertain significance. Review status: criteria provided, multiple submitters, no conflicts (2 of 4 stars). 3 submissions from 3 submitters: Uncertain significance (3). Last evaluated 2023-05-23.

Conditions:
Inborn genetic diseases. Identifiers: MedGen C0950123, MeSH D030342.
Fetal akinesia deformation sequence 1 (FADS1). Also called: Fetal akinesia sequence; Pena-Shokeir syndrome type I. Identifiers: Orphanet 994, MedGen C1276035, MONDO:0100101, OMIM 208150, HP:0001989.
Congenital myasthenic syndrome 10. Also called: Myasthenia, limb-girdle, familial. Identifiers: Orphanet 590, MedGen C1850792, MONDO:0009690, OMIM 254300.

Allele frequency attached by ClinVar (database versions not stated): gnomAD exomes 0.00001 and 0.00003; TOPMed 0.00001; gnomAD 0.00003; ExAC 0.00005.
gnomAD v4.1: 18 of 1,556,810 alleles (0.0012%); highest among the groups gnomAD compares: African/African-American, 0.0014%; no homozygotes.

Submissions (3):

Ambry Genetics
Classification: Uncertain significance for Inborn genetic diseases. Last evaluated: 2023-05-23. Review status: criteria provided, single submitter. Criteria: Ambry Variant Classification Scheme 2023. Collection method: clinical testing. Allele origin: germline.

Labcorp Genetics (formerly Invitae), Labcorp
Classification: Uncertain significance for Congenital myasthenic syndrome 10; Fetal akinesia deformation sequence 1. Last evaluated: 2021-08-28. Review status: criteria provided, single submitter. Criteria: Invitae Variant Classification Sherloc (09022015). Collection method: clinical testing. Allele origin: germline.
Comment: This sequence change replaces serine with glycine at codon 334 of the DOK7 protein (p.Ser334Gly). The serine residue is highly conserved and there is a small physicochemical difference between serine and glycine. This variant is present in population databases (rs769643041, ExAC 0.01%). This variant has not been reported in the literature in individuals affected with DOK7-related conditions. Algorithms developed to predict the effect of missense changes on protein structure and function output the following: SIFT: "Deleterious"; PolyPhen-2: "Benign"; Align-GVGD: "Class C55". The glycine amino acid residue is found in multiple mammalian species, which suggests that this missense change does not adversely affect protein function. In summary, the available evidence is currently insufficient to determine the role of this variant in disease. Therefore, it has been classified as a Variant of Uncertain Significance.

Revvity Omics, Revvity
Classification: Uncertain significance. Last evaluated: 2019-08-30. Review status: criteria provided, single submitter. Criteria: ACMG Guidelines, 2015. Collection method: clinical testing. Allele origin: germline.